The following is an entry in ClinVar:

ClinVar aggregate classification (germline): Uncertain significance (1 of 4 stars; one submission).

Conditions:
Inborn genetic diseases. Identifiers: MedGen C0950123, MeSH D030342.

Submission:

Ambry Genetics
Classification: Uncertain significance for Inborn genetic diseases. Last evaluated: 2026-03-09. Review status: criteria provided, single submitter. Criteria: Ambry Variant Classification Scheme 2023. Collection method: clinical testing. Allele origin: germline.
Comment: The p.A225P variant (also known as c.673G>C), located in coding exon 1 of the SAMD9L gene, results from a G to C substitution at nucleotide position 673. The alanine at codon 225 is replaced by proline, an amino acid with highly similar properties. This amino acid position is conserved. In addition, the in silico prediction for this alteration is inconclusive. Based on the available evidence, the clinical significance of this variant remains unclear.

NM_152703.5(SAMD9L):c.673G>C (p.Ala225Pro)

Gene: SAMD9L (sterile alpha motif domain containing 9 like; minus strand). Cytogenetic location: 7q21.2.
Variant type: single nucleotide variant.
Coding change: c.673G>C on transcript NM_152703.5 (MANE Select); coding-DNA position 673, G replaced by C.
Protein change: p.Ala225Pro; replaces alanine 225 with proline.
Molecular consequence: missense variant.
Genome position (GRCh38, 1-based): chr7:93,135,299, C>G on the plus strand (G>C on the coding strand, the complement: SAMD9L is on the minus strand). VCF-style: chr7-93135299-C-G. GRCh37 (hg19) VCF-style: chr7-92764612-C-G.
Other names: c.673G>C, p.Ala225Pro (NM_001303496.3, NM_001303497.3, NM_001303498.3 and 5 more transcripts); short protein forms A225P.
Identifiers: ClinVar variation 4826189 (VCV004826189.1).